The following is an entry in ClinVar:

ClinVar aggregate classification (germline): Benign/Likely benign. Review status: criteria provided, multiple submitters, no conflicts (2 of 4 stars). 8 submissions from 8 submitters: Benign (2); Likely benign (5). 1 of the submissions does not count toward it. Last evaluated 2026-01-27.

Conditions:
SMAD4-related disorder. Also called: SMAD4-related condition; SMAD4-Related disorders.
Hereditary cancer-predisposing syndrome. Also called: Neoplastic Syndromes, Hereditary; Hereditary Cancer Syndrome; Hereditary neoplastic syndrome; Tumor predisposition. Identifiers: Orphanet 140162, MedGen C0027672, MeSH D009386, MONDO:0015356.
Familial thoracic aortic aneurysm and aortic dissection (TAAD). Also called: Thoracic aortic aneurysms and dissections. Identifiers: Orphanet 91387, MedGen C4707243, MONDO:0019625.
Juvenile polyposis syndrome (JPS). Identifiers: Orphanet 2929, MedGen C0345893, MONDO:0017380, OMIM 174900.
Juvenile polyposis/hereditary hemorrhagic telangiectasia syndrome (JPHT). Also called: POLYPOSIS, GENERALIZED JUVENILE, WITH PULMONARY ARTERIOVENOUS MALFORMATION; TELANGIECTASIA, HEREDITARY HEMORRHAGIC, WITH JUVENILE POLYPOSIS COLI; Juvenile Polyposis Syndrome / Hereditary Hemorrhagic Telangiectasia (JPS/HHT); JP/HHT SYNDROME; JUVENILE POLYPOSIS WITH HEREDITARY HEMORRHAGIC TELANGIECTASIA. Identifiers: Orphanet 2929, MedGen C1832942, MONDO:0008278, OMIM 175050.

Allele frequency attached by ClinVar (database versions not stated): ESP Exome Variant Server 0.00008.
gnomAD v4.1: 64 of 1,612,460 alleles (0.004%); highest among the groups gnomAD compares: Non-Finnish European, 0.0051%; no homozygotes.

Submissions (8):

Labcorp Genetics (formerly Invitae), Labcorp
Classification: Likely benign for Juvenile polyposis syndrome. Last evaluated: 2026-01-27. Review status: criteria provided, single submitter. Criteria: Invitae Variant Classification Sherloc (09022015). Collection method: clinical testing. Allele origin: germline.

Women's Health and Genetics/Laboratory Corporation of America, LabCorp
Classification: Benign. Last evaluated: 2026-01-23. Review status: criteria provided, single submitter. Criteria: LabCorp Variant Classification Summary - May 2015. Collection method: clinical testing. Allele origin: germline.

Myriad Genetics, Inc.
Classification: Benign for Juvenile polyposis/hereditary hemorrhagic telangiectasia syndrome. Last evaluated: 2025-03-20. Review status: criteria provided, single submitter. Criteria: Myriad Autosomal Dominant, Autosomal Recessive and X-Linked Classification Criteria (2023). Collection method: clinical testing. Allele origin: unknown.
Comment: This variant is considered benign. This variant is a silent/synonymous amino acid change and it is not expected to impact splicing.

All of Us Research Program, National Institutes of Health
Classification: Likely benign for Juvenile polyposis/hereditary hemorrhagic telangiectasia syndrome. Last evaluated: 2024-01-11. Review status: criteria provided, single submitter. Criteria: ACMG Guidelines, 2015. Collection method: clinical testing. Allele origin: germline. Inheritance: Autosomal dominant inheritance. Observed: 5 variant alleles, 5 heterozygotes.
Comment: This study involves interpretation of variants in research participants for the purpose of population health screening. Participant phenotype was not available at the time of variant classification. Additional details can be found in publication PMID: 35346344, PMCID: PMC8962531

GeneDx
Classification: Likely benign. Last evaluated: 2020-09-16. Review status: criteria provided, single submitter. Criteria: GeneDx Variant Classification Process June 2021. Collection method: clinical testing. Allele origin: germline. Affected: yes.

Color Diagnostics, LLC DBA Color Health
Classification: Likely benign for Hereditary cancer-predisposing syndrome. Last evaluated: 2017-08-14. Review status: criteria provided, single submitter. Criteria: ACMG Guidelines, 2015. Collection method: clinical testing. Allele origin: germline.

Ambry Genetics
Classification: Likely benign for Hereditary cancer-predisposing syndrome; Familial thoracic aortic aneurysm and aortic dissection. Last evaluated: 2016-01-28. Review status: criteria provided, single submitter. Criteria: Ambry Variant Classification Scheme 2023. Collection method: clinical testing. Allele origin: germline.

PreventionGenetics, part of Exact Sciences
Classification: Likely benign for SMAD4-related condition. Last evaluated: 2021-03-02. Review status: no assertion criteria provided. Collection method: clinical testing. Allele origin: germline. Not counted in ClinVar's aggregate classification.
Comment: This variant is classified as likely benign based on ACMG/AMP sequence variant interpretation guidelines (Richards et al. 2015 PMID: 25741868, with internal and published modifications).

NM_005359.6(SMAD4):c.909T>C (p.Pro303=)

Gene: SMAD4 (SMAD family member 4; plus strand). Cytogenetic location: 18q21.2.
Variant type: single nucleotide variant.
Coding change: c.909T>C on transcript NM_005359.6 (MANE Select); coding-DNA position 909, T replaced by C.
Protein change: p.Pro303=; no amino-acid change (proline 303 retained).
Molecular consequence: synonymous variant.
Genome position (GRCh38, 1-based): chr18:51,059,870, T>C. VCF-style: chr18-51059870-T-C. GRCh37 (hg19) VCF-style: chr18-48586240-T-C.
Identifiers: ClinVar variation 413439 (VCV000413439.26), dbSNP rs141149381, ClinGen allele CA8965956.